The following is an entry in ClinVar:

ClinVar aggregate classification (germline): Uncertain significance (1 of 4 stars; one submission).

Conditions:
Autosomal dominant spastic paraplegia type 9. Identifiers: MedGen C1832669, MONDO:0015091.
de Barsy syndrome. Also called: Cutis laxa-corneal clouding-oligophrenia syndrome. Identifiers: Orphanet 2962, MedGen C0268354, MONDO:0017569.
Cutis laxa, autosomal dominant 3 (ADCL3). Identifiers: Orphanet 90348, MedGen C4225268, MONDO:0014706, OMIM 616603.

Submission:

Labcorp Genetics (formerly Invitae), Labcorp
Classification: Uncertain significance for Autosomal dominant spastic paraplegia type 9; de Barsy syndrome; Cutis laxa, autosomal dominant 3. Last evaluated: 2021-04-08. Review status: criteria provided, single submitter. Criteria: Invitae Variant Classification Sherloc (09022015). Collection method: clinical testing. Allele origin: germline.
Comment: In summary, the available evidence is currently insufficient to determine the role of this variant in disease. Therefore, it has been classified as a Variant of Uncertain Significance. Algorithms developed to predict the effect of missense changes on protein structure and function are either unavailable or do not agree on the potential impact of this missense change (SIFT: "Deleterious"; PolyPhen-2: "Benign"; Align-GVGD: "Class C0"). This variant has not been reported in the literature in individuals with ALDH18A1-related conditions. This variant is not present in population databases (ExAC no frequency). This sequence change replaces threonine with lysine at codon 296 of the ALDH18A1 protein (p.Thr296Lys). The threonine residue is highly conserved and there is a moderate physicochemical difference between threonine and lysine.

NM_002860.4(ALDH18A1):c.887C>A (p.Thr296Lys)

Gene: ALDH18A1 (aldehyde dehydrogenase 18 family member A1; minus strand). Cytogenetic location: 10q24.1.
Variant type: single nucleotide variant.
Coding change: c.887C>A on transcript NM_002860.4 (MANE Select); coding-DNA position 887, C replaced by A.
Protein change: p.Thr296Lys; replaces threonine 296 with lysine.
Molecular consequence: missense variant.
Genome position (GRCh38, 1-based): chr10:95,628,414, G>T on the plus strand (C>A on the coding strand, the complement: ALDH18A1 is on the minus strand). VCF-style: chr10-95628414-G-T. GRCh37 (hg19) VCF-style: chr10-97388171-G-T.
Other names: c.881C>A, p.Thr294Lys (NM_001017423.2, NM_001323415.2); c.554C>A, p.Thr185Lys (NM_001323412.2, NM_001323416.2); c.887C>A, p.Thr296Lys (NM_001323413.2, NM_001323414.2); c.782C>A, p.Thr261Lys (NM_001323417.2); c.548C>A, p.Thr183Lys (NM_001323418.2); c.251C>A, p.Thr84Lys (NM_001323419.2); short protein forms T185K, T294K, T84K, T183K, T296K, T261K.
Identifiers: ClinVar variation 860228 (VCV000860228.11), dbSNP rs768985400, ClinGen allele CA377704013.
Genomic context (GRCh38, chr10:95,628,414, plus strand): 5'-CACCAGATTCTTACCTTGGCTTCCATGCCACCCATTCCCACTCTAGACTTGGTTCCAAAT[G>T]TCACAGACTGCTGATCTCCGGGATAAAATATATCAATAAGCTTTGCATCATCTGAACCTG-3'
Protein context (NP_002851.2, residues 286-306): IFYPGDQQSV[Thr296Lys]FGTKSRVGMG